The following is an entry in ClinVar:

NM_015102.5(NPHP4):c.1715C>T (p.Pro572Leu)

Gene: NPHP4 (nephrocystin 4; minus strand). Cytogenetic location: 1p36.31.
Variant type: single nucleotide variant.
Coding change: c.1715C>T on transcript NM_015102.5 (MANE Select); coding-DNA position 1715, C replaced by T.
Protein change: p.Pro572Leu; replaces proline 572 with leucine.
Molecular consequence: missense variant. On other transcripts: non-coding transcript variant (1).
Genome position (GRCh38, 1-based): chr1:5,905,680, G>A on the plus strand (C>T on the coding strand, the complement: NPHP4 is on the minus strand). VCF-style: chr1-5905680-G-A. GRCh37 (hg19) VCF-style: chr1-5965740-G-A.
Other names: c.176C>T, p.Pro59Leu (NM_001291593.2); c.179C>T, p.Pro60Leu (NM_001291594.2); short protein forms P572L, P60L, P59L.
Identifiers: ClinVar variation 594305 (VCV000594305.11), dbSNP rs183722664, ClinGen allele CA554404.

ClinVar aggregate classification (germline): Uncertain significance. Review status: criteria provided, multiple submitters, no conflicts (2 of 4 stars). 3 submissions from 3 submitters: Uncertain significance (3). Last evaluated 2025-08-21.

Conditions:
Nephronophthisis. Also called: Juvenile Nephronophthisis. Identifiers: Orphanet 655, MedGen C0687120, MONDO:0019005, HP:0000090.
Nephronophthisis 4 (NPHP4). Also called: NEPHRONOPHTHISIS 4, JUVENILE. Identifiers: Orphanet 655, MedGen C1847013, MONDO:0011752, OMIM 606966.
Senior-Loken syndrome 4 (SLSN4). Identifiers: Orphanet 3156, MedGen C1846979, MONDO:0011756, OMIM 606996.

Allele frequency attached by ClinVar (database versions not stated): TOPMed 0.00002; gnomAD 0.00003; 1000 Genomes Project 30x 0.00016; 1000 Genomes Project 0.00020.
gnomAD v4.1: 21 of 1,613,916 alleles (0.0013%); highest among the groups gnomAD compares: Admixed American, 0.0033%; no homozygotes.

Submissions (3):

Labcorp Genetics (formerly Invitae), Labcorp
Classification: Uncertain significance for Nephronophthisis. Last evaluated: 2025-08-21. Review status: criteria provided, single submitter. Criteria: Invitae Variant Classification Sherloc (09022015). Collection method: clinical testing. Allele origin: germline.
Comment: This sequence change replaces proline, which is neutral and non-polar, with leucine, which is neutral and non-polar, at codon 572 of the NPHP4 protein (p.Pro572Leu). This variant is present in population databases (rs183722664, gnomAD 0.006%). This variant has not been reported in the literature in individuals affected with NPHP4-related conditions. ClinVar contains an entry for this variant (Variation ID: 594305). Invitae Evidence Modeling of protein sequence and biophysical properties (such as structural, functional, and spatial information, amino acid conservation, physicochemical variation, residue mobility, and thermodynamic stability) indicates that this missense variant is expected to disrupt NPHP4 protein function with a positive predictive value of 80%. In summary, the available evidence is currently insufficient to determine the role of this variant in disease. Therefore, it has been classified as a Variant of Uncertain Significance.

Fulgent Genetics
Classification: Uncertain significance for Nephronophthisis 4; Senior-Loken syndrome 4. Last evaluated: 2024-05-14. Review status: criteria provided, single submitter. Criteria: ACMG Guidelines, 2015. Collection method: clinical testing. Allele origin: germline.

Eurofins Ntd Llc (ga)
Classification: Uncertain significance. Last evaluated: 2017-10-02. Review status: criteria provided, single submitter. Criteria: EGL Classification Definitions 2015. Collection method: clinical testing. Allele origin: germline. Observed: 1 variant allele, 1 heterozygote.